The following is an entry in ClinVar:

ClinVar aggregate classification (germline): Likely pathogenic (1 of 4 stars; one submission).

Allele frequency attached by ClinVar (database versions not stated): gnomAD exomes 0.00001.
gnomAD v4.1: 4 of 1,608,210 alleles (0.00025%); highest among the groups gnomAD compares: Non-Finnish European, 0.00034%; no homozygotes.

Submission:

Labcorp Genetics (formerly Invitae), Labcorp
Classification: Likely pathogenic. Last evaluated: 2023-07-07. Review status: criteria provided, single submitter. Criteria: Invitae Variant Classification Sherloc (09022015). Collection method: clinical testing. Allele origin: germline.
Comment: In summary, the currently available evidence indicates that the variant is pathogenic, but additional data are needed to prove that conclusively. Therefore, this variant has been classified as Likely Pathogenic. This variant disrupts the p.Ala106 amino acid residue in SLC26A4. Other variant(s) that disrupt this residue have been determined to be pathogenic (PMID: 11317356, 29372807). This suggests that this residue is clinically significant, and that variants that disrupt this residue are likely to be disease-causing. Advanced modeling of protein sequence and biophysical properties (such as structural, functional, and spatial information, amino acid conservation, physicochemical variation, residue mobility, and thermodynamic stability) performed at Invitae indicates that this missense variant is expected to disrupt SLC26A4 protein function. This sequence change replaces alanine, which is neutral and non-polar, with threonine, which is neutral and polar, at codon 106 of the SLC26A4 protein (p.Ala106Thr). This variant is not present in population databases (gnomAD no frequency). This variant has not been reported in the literature in individuals affected with SLC26A4-related conditions. ClinVar contains an entry for this variant (Variation ID: 1473516).

Literature cited by the submitters: PubMed 11317356; PubMed 29372807.

NM_000441.2(SLC26A4):c.316G>A (p.Ala106Thr)

Gene: SLC26A4 (solute carrier family 26 member 4; plus strand). Cytogenetic location: 7q22.3.
Variant type: single nucleotide variant.
Coding change: c.316G>A on transcript NM_000441.2 (MANE Select); coding-DNA position 316, G replaced by A.
Protein change: p.Ala106Thr; replaces alanine 106 with threonine.
Molecular consequence: missense variant.
Genome position (GRCh38, 1-based): chr7:107,672,149, G>A. VCF-style: chr7-107672149-G-A. GRCh37 (hg19) VCF-style: chr7-107312594-G-A.
Other names: short protein forms A106T.
Identifiers: ClinVar variation 1473516 (VCV001473516.6), dbSNP rs2129311226, ClinGen allele CA368846935.